The following is an entry in ClinVar:

ClinVar aggregate classification (germline): Conflicting classifications of pathogenicity. Review status: criteria provided, conflicting classifications (1 of 4 stars). 6 submissions from 6 submitters: Uncertain significance (5); Likely benign (1). Last evaluated 2025-06-10.

Conditions:
Familial cancer of breast. Also called: BREAST CANCER, FAMILIAL; Hereditary breast cancer; hereditary breast carcinoma. Identifiers: Orphanet 227535, MedGen C0346153, MONDO:0016419, OMIM 114480. Disease mechanism: loss of function.
BRCA2-related cancer predisposition. Identifiers: MedGen CN377758, MONDO:0700269.
Hereditary cancer-predisposing syndrome. Also called: Neoplastic Syndromes, Hereditary; Tumor predisposition; Hereditary Cancer Syndrome; Hereditary neoplastic syndrome. Identifiers: Orphanet 140162, MedGen C0027672, MeSH D009386, MONDO:0015356.
Hereditary breast ovarian cancer syndrome. Also called: Hereditary breast and ovarian cancer; Hereditary breast and/or ovarian cancer syndrome; BRCA1- and BRCA2-Associated Hereditary Breast and Ovarian Cancer; Hereditary breast and ovarian cancer syndrome (HBOC); Hereditary breast and ovarian cancer syndrome; Breast and ovarian cancer. Identifiers: Orphanet 145, MedGen C0677776, MeSH D061325, MONDO:0003582. Disease mechanism: loss of function.

Allele frequency attached by ClinVar (database versions not stated): gnomAD exomes below 0.00001; gnomAD 0.00001.
gnomAD v4.1: 4 of 1,613,882 alleles (0.00025%); highest among the groups gnomAD compares: African/African-American, 0.0053%; no homozygotes.

Submissions (6):

Labcorp Genetics (formerly Invitae), Labcorp
Classification: Uncertain significance for Hereditary breast ovarian cancer syndrome. Last evaluated: 2025-06-10. Review status: criteria provided, single submitter. Criteria: Invitae Variant Classification Sherloc (09022015). Collection method: clinical testing. Allele origin: germline.
Comment: This sequence change replaces leucine, which is neutral and non-polar, with valine, which is neutral and non-polar, at codon 2808 of the BRCA2 protein (p.Leu2808Val). This variant is not present in population databases (gnomAD no frequency). This missense change has been observed in individual(s) with breast cancer (PMID: 31871109). ClinVar contains an entry for this variant (Variation ID: 187616). Invitae Evidence Modeling of protein sequence and biophysical properties (such as structural, functional, and spatial information, amino acid conservation, physicochemical variation, residue mobility, and thermodynamic stability) indicates that this missense variant is not expected to disrupt BRCA2 protein function with a negative predictive value of 95%. In summary, the available evidence is currently insufficient to determine the role of this variant in disease. Therefore, it has been classified as a Variant of Uncertain Significance.

Ambry Genetics
Classification: Likely benign for Hereditary cancer-predisposing syndrome. Last evaluated: 2025-05-08. Review status: criteria provided, single submitter. Criteria: Ambry Variant Classification Scheme 2023. Collection method: clinical testing. Allele origin: germline.

All of Us Research Program, National Institutes of Health
Classification: Uncertain significance for BRCA2-related cancer predisposition. Last evaluated: 2024-05-13. Review status: criteria provided, single submitter. Criteria: ACMG Guidelines, 2015. Collection method: clinical testing. Allele origin: germline. Inheritance: Autosomal dominant inheritance. Observed: 1 variant allele, 1 heterozygote.
Comment: This study involves interpretation of variants in research participants for the purpose of population health screening. Participant phenotype was not available at the time of variant classification. Additional details can be found in publication PMID: 35346344, PMCID: PMC8962531

Baylor Genetics
Classification: Uncertain significance for Familial cancer of breast. Last evaluated: 2023-08-11. Review status: criteria provided, single submitter. Criteria: ACMG Guidelines, 2015. Collection method: clinical testing. Allele origin: unknown.

Color Diagnostics, LLC DBA Color Health
Classification: Uncertain significance for Hereditary cancer-predisposing syndrome. Last evaluated: 2019-04-14. Review status: criteria provided, single submitter. Criteria: ACMG Guidelines, 2015. Collection method: clinical testing. Allele origin: germline.

Quest Diagnostics Nichols Institute San Juan Capistrano
Classification: Uncertain significance. Last evaluated: 2018-12-13. Review status: criteria provided, single submitter. Criteria: Quest Diagnostics criteria. Collection method: clinical testing. Allele origin: germline.

Literature cited by the submitters: PubMed 31871109 (cited by Labcorp Genetics (formerly Invitae), Labcorp and Ambry Genetics).

NM_000059.4(BRCA2):c.8422C>G (p.Leu2808Val)

Gene: BRCA2 (BRCA2 DNA repair associated; plus strand). Cytogenetic location: 13q13.1.
Variant type: single nucleotide variant.
Coding change: c.8422C>G on transcript NM_000059.4 (MANE Select); coding-DNA position 8422, C replaced by G.
Protein change: p.Leu2808Val; replaces leucine 2808 with valine.
Molecular consequence: missense variant.
Genome position (GRCh38, 1-based): chr13:32,370,492, C>G. VCF-style: chr13-32370492-C-G. GRCh37 (hg19) VCF-style: chr13-32944629-C-G.
Other names: short protein forms L2808V.
Identifiers: ClinVar variation 187616 (VCV000187616.22), dbSNP rs786203867, ClinGen allele CA025637.